The following is an entry in ClinVar:

NM_001089.3(ABCA3):c.542C>T (p.Thr181Ile)

Gene: ABCA3 (ATP binding cassette subfamily A member 3; minus strand). Cytogenetic location: 16p13.3.
Variant type: single nucleotide variant.
Coding change: c.542C>T on transcript NM_001089.3 (MANE Select); coding-DNA position 542, C replaced by T.
Protein change: p.Thr181Ile; replaces threonine 181 with isoleucine.
Molecular consequence: missense variant.
Genome position (GRCh38, 1-based): chr16:2,323,594, G>A on the plus strand (C>T on the coding strand, the complement: ABCA3 is on the minus strand). VCF-style: chr16-2323594-G-A. GRCh37 (hg19) VCF-style: chr16-2373595-G-A.
Other names: short protein forms T181I.
Identifiers: ClinVar variation 1747492 (VCV001747492.3), dbSNP rs2093729485, ClinGen allele CA394349497.

ClinVar aggregate classification (germline): Uncertain significance. Review status: criteria provided, multiple submitters, no conflicts (2 of 4 stars). 2 submissions from 2 submitters: Uncertain significance (2). Last evaluated 2025-12-17.

Conditions:
Hereditary pulmonary alveolar proteinosis. Also called: Pulmonary surfactant metabolism dysfunction. Identifiers: Orphanet 264675, MedGen C3711368, MONDO:0012580.
Interstitial lung disease due to ABCA3 deficiency. Also called: PULMONARY ALVEOLAR PROTEINOSIS, CONGENITAL, 3. Identifiers: Orphanet 440402, MedGen C1970456, MONDO:0012582, OMIM 610921.

Allele frequency attached by ClinVar (database versions not stated): gnomAD exomes below 0.00001.

Submissions (2):

Myriad Genetics, Inc.
Classification: Uncertain significance for Interstitial lung disease due to ABCA3 deficiency. Last evaluated: 2025-12-17. Review status: criteria provided, single submitter. Criteria: Myriad Autosomal Dominant, Autosomal Recessive and X-Linked Classification Criteria (2023). Collection method: clinical testing. Allele origin: unknown.
Comment: NM_001089.2(ABCA3):c.542C>T(T181I) is a missense variant classified as a variant of uncertain significance in the context of surfactant deficiency, ABCA3-related. T181I has been observed in cases with relevant disease (PMID: 24871971, 31130284). Relevant functional assessments of this variant are not available in the literature. T181I has not been observed in referenced population frequency databases. In summary, there is insufficient evidence to classify NM_001089.2(ABCA3):c.542C>T(T181I) as pathogenic or benign. Please note: this variant was assessed in the context of healthy population screening.

Ambry Genetics
Classification: Uncertain significance for Hereditary pulmonary alveolar proteinosis. Last evaluated: 2015-12-15. Review status: criteria provided, single submitter. Criteria: Ambry Variant Classification Scheme 2023. Collection method: clinical testing. Allele origin: germline.
Comment: The p.T181I variant (also known as c.542C>T), located in coding exon 4 of the ABCA3 gene, results from a C to T substitution at nucleotide position 542. The threonine at codon 181 is replaced by isoleucine, an amino acid with similar properties. This variant was not reported in population based cohorts in the following databases: Database of Single Nucleotide Polymorphisms (dbSNP), NHLBI Exome Sequencing Project (ESP), and 1000 Genomes Project. In the ESP, this variant was not observed in 6498 samples (12996 alleles) with coverage at this position. This amino acid position is highly conserved in available vertebrate species. In addition, this alteration is predicted to be deleterious by in silico analysis. Since supporting evidence is limited at this time, the clinical significance of this variant remains unclear.

Literature cited by the submitters: PubMed 24871971 (cited by Myriad Genetics, Inc.); PubMed 31130284 (cited by Myriad Genetics, Inc.).